The following is an entry in ClinVar:

ClinVar aggregate classification (germline): Likely pathogenic (0 of 4 stars; one submission).

Conditions:
Pyruvate dehydrogenase E1-alpha deficiency (PDHAD). Also called: ATAXIA, INTERMITTENT, WITH PYRUVATE DEHYDROGENASE DEFICIENCY; ATAXIA WITH LACTIC ACIDOSIS I; ATAXIA, INTERMITTENT, WITH ABNORMAL PYRUVATE METABOLISM; Ataxia, intermittent, with pyruvate dehydrogenase, or decarboxylase, deficiency. Identifiers: Orphanet 79243, MedGen C1839413, MONDO:0010717, OMIM 312170.

Submission:

PDHA1 Study Group, University Children’s Hospital, Paracelsus Medical University
Classification: Likely pathogenic for Pyruvate dehydrogenase E1-alpha deficiency. Last evaluated: 2024-10-15. Review status: no assertion criteria provided. Collection method: research. Allele origin: de novo. Affected: yes. Observed: 2 variant alleles.
Comment: The NM_000284.3:c.481_483del (p.Phe160del) change is a deletion-insertion (delins) variant in PDHA1 gene. In total, 2 individuals were diagnosed with PDHA1-related Pyruvate dehydrogenase complex (PDHc) deficiency (MIM #312170). Among them, 1 case had confirmed de novo occurrence. This variant has been identified in 2 unpublished cases from internal data. Last literature search: July 12, 2024. This variant is absent or extremely rare in population-based cohorts in the Genome Aggregation Database (gnomAD). Individuals harboring this variant presented with clinical features compatible with PDHA1-related PDHc deficiency. In summary, this variant meets criteria to be classified as likely pathogenic (LP) for PDHA1-related PDHc deficiency based on the ACMG/AMP criteria applied: PM1, PM2, PM4, PM7 (last assessment October 15, 2024).

Literature cited by the submitters: DOI 10.1093/brain/awaf430.

NM_000284.4(PDHA1):c.481_483del (p.Tyr161del)

Gene: PDHA1 (pyruvate dehydrogenase E1 subunit alpha 1; plus strand). Cytogenetic location: Xp22.12.
Variant type: Deletion.
Coding change: c.481_483del on transcript NM_000284.4 (MANE Select); coding-DNA positions 481 to 483, 3 bases deleted (TAC; older notation c.481_483delTAC).
Protein change: p.Tyr161del; deletes tyrosine 161.
Molecular consequence: inframe deletion.
Genome position (GRCh38, 1-based): chrX:19,353,144-19,353,146, TAC deleted; deleting any 3 consecutive bases within chrX:19,353,143-19,353,146 gives the same sequence; the c. name uses the placement nearest the transcript's 3' end. VCF-style (leftmost placement, unchanged base first): chrX-19353142-TCTA-T. GRCh37 (hg19) VCF-style: chrX-19371260-TCTA-T.
Other names: c.595_597del, p.Tyr199del (NM_001173454.2); c.502_504del, p.Tyr168del (NM_001173455.2); c.481_483del, p.Tyr161del (NM_001173456.2); short protein forms Y161del, Y168del, Y199del.
Identifiers: ClinVar variation 4070502 (VCV004070502.1).